The following is an entry in ClinVar:

NM_022124.6(CDH23):c.7671T>C (p.His2557=)

Gene: CDH23 (cadherin related 23; plus strand). Cytogenetic location: 10q22.1.
Variant type: single nucleotide variant.
Coding change: c.7671T>C on transcript NM_022124.6 (MANE Select); coding-DNA position 7671, T replaced by C.
Protein change: p.His2557=; no amino-acid change (histidine 2557 retained).
Molecular consequence: synonymous variant.
Genome position (GRCh38, 1-based): chr10:71,803,219, T>C. VCF-style: chr10-71803219-T-C. GRCh37 (hg19) VCF-style: chr10-73562976-T-C.
Other names: c.951T>C, p.His317= (NM_001171933.1, NM_001171934.1).
Identifiers: ClinVar variation 505115 (VCV000505115.11), dbSNP rs1408981265, ClinGen allele CA470062725.

ClinVar aggregate classification (germline): Likely benign. Review status: criteria provided, multiple submitters, no conflicts (2 of 4 stars). 2 submissions from 2 submitters: Likely benign (2). Last evaluated 2025-12-31.

Allele frequency attached by ClinVar (database versions not stated): gnomAD exomes below 0.00001.

Submissions (2):

Labcorp Genetics (formerly Invitae), Labcorp
Classification: Likely benign. Last evaluated: 2025-12-31. Review status: criteria provided, single submitter. Criteria: Invitae Variant Classification Sherloc (09022015). Collection method: clinical testing. Allele origin: germline.

Laboratory for Molecular Medicine, Mass General Brigham Personalized Medicine
Classification: Likely benign. Last evaluated: 2016-06-09. Review status: criteria provided, single submitter. Criteria: LMM Criteria. Collection method: clinical testing. Allele origin: germline. Observed: 1 variant allele.
Comment: p.His2557His in exon 55 of CDH23: This variant is not expected to have clinical significance because it does not alter an amino acid residue and is not located within the splice consensus sequence.